The following is an entry in ClinVar:

NM_020928.2(ZSWIM6):c.9G>T (p.Glu3Asp)

Gene: ZSWIM6 (zinc finger SWIM-type containing 6; plus strand). Cytogenetic location: 5q12.1.
Variant type: single nucleotide variant.
Coding change: c.9G>T on transcript NM_020928.2 (MANE Select); coding-DNA position 9, G replaced by T.
Protein change: p.Glu3Asp; replaces glutamic acid 3 with aspartic acid.
Molecular consequence: missense variant.
Genome position (GRCh38, 1-based): chr5:61,332,281, G>T. VCF-style: chr5-61332281-G-T. GRCh37 (hg19) VCF-style: chr5-60628108-G-T.
Other names: short protein forms E3D.
Identifiers: ClinVar variation 4278550 (VCV004278550.1).

ClinVar aggregate classification (germline): Uncertain significance (1 of 4 stars; one submission).

gnomAD v4.1: 9 of 1,166,002 alleles (0.00077%); highest among the groups gnomAD compares: Non-Finnish European, 0.00095%; no homozygotes.

Submission:

GeneDx
Classification: Uncertain significance. Last evaluated: 2025-04-04. Review status: criteria provided, single submitter. Criteria: GeneDx Variant Classification Process June 2021. Collection method: clinical testing. Allele origin: germline. Affected: yes.
Comment: Not observed at significant frequency in large population cohorts (gnomAD); In silico analysis indicates that this missense variant does not alter protein structure/function; Has not been previously published as pathogenic or benign to our knowledge